The following is an entry in ClinVar:

NM_030665.4(RAI1):c.3520A>G (p.Thr1174Ala)

Gene: RAI1 (retinoic acid induced 1; plus strand). Cytogenetic location: 17p11.2.
Variant type: single nucleotide variant.
Coding change: c.3520A>G on transcript NM_030665.4 (MANE Select); coding-DNA position 3520, A replaced by G.
Protein change: p.Thr1174Ala; replaces threonine 1174 with alanine.
Molecular consequence: missense variant.
Genome position (GRCh38, 1-based): chr17:17,796,468, A>G. VCF-style: chr17-17796468-A-G. GRCh37 (hg19) VCF-style: chr17-17699782-A-G.
Other names: short protein forms T1174A.
Identifiers: ClinVar variation 5008000 (VCV005008000.1).
Genomic context (GRCh38, chr17:17,796,468, plus strand): 5'-GAGATCTTCCACTCCAAGCGGCGGAGGCCCTCTGAGGGCCGGCTCCCCAACTGCCGTGCC[A>G]CCAAGAAGCTCCTCGACAACAGCCACTTGCCCGCCACATTCAAGGTCTCCAGCAGCCCCC-3'
Protein context (NP_109590.3, residues 1164-1184): SEGRLPNCRA[Thr1174Ala]KKLLDNSHLP

ClinVar aggregate classification (germline): Uncertain significance (1 of 4 stars; one submission).

Submission:

GeneDx
Classification: Uncertain significance. Last evaluated: 2026-02-12. Review status: criteria provided, single submitter. Criteria: GeneDx Variant Classification Process June 2021. Collection method: clinical testing. Allele origin: germline.
Comment: Not observed at significant frequency in large population cohorts (gnomAD); In silico analysis suggests that this missense variant does not alter protein structure/function; Has not been previously published as pathogenic or benign to our knowledge